The following is an entry in ClinVar:

NM_021098.3(CACNA1H):c.7034C>T (p.Pro2345Leu)

Gene: CACNA1H (calcium voltage-gated channel subunit alpha1 H; plus strand). Cytogenetic location: 16p13.3.
Variant type: single nucleotide variant.
Coding change: c.7034C>T on transcript NM_021098.3 (MANE Select); coding-DNA position 7034, C replaced by T.
Protein change: p.Pro2345Leu; replaces proline 2345 with leucine.
Molecular consequence: missense variant.
Genome position (GRCh38, 1-based): chr16:1,220,966, C>T. VCF-style: chr16-1220966-C-T. GRCh37 (hg19) VCF-style: chr16-1270966-C-T.
Other names: c.7016C>T, p.Pro2339Leu (NM_001005407.2); c.7034C>T (NM_021098.2); short protein forms P2345L, P2339L.
Identifiers: ClinVar variation 1410653 (VCV001410653.10), dbSNP rs1194032246, ClinGen allele CA394151618.

ClinVar aggregate classification (germline): Uncertain significance. Review status: criteria provided, single submitter (1 of 4 stars). 2 submissions from 2 submitters: Uncertain significance (1). 1 of the submissions does not count toward it. Last evaluated 2024-07-06.

Conditions:
CACNA1H-related disorder.
Idiopathic generalized epilepsy. Also called: Generalised epilepsy; EIG. Identifiers: MedGen C0270850, MONDO:0005579, OMIM 600669.
Hyperaldosteronism, familial, type IV (HALD4). Also called: FH IV; ALDOSTERONISM, PRIMARY, AND HYPERTENSION. Identifiers: Orphanet 642671, MedGen C4310756, MONDO:0014875, OMIM 617027.

Allele frequency attached by ClinVar (database versions not stated): TOPMed 0.00001.
gnomAD v4.1: 3 of 1,603,024 alleles (0.00019%); highest among the groups gnomAD compares: Non-Finnish European, 0.00026%; no homozygotes.

Submissions (2):

Labcorp Genetics (formerly Invitae), Labcorp
Classification: Uncertain significance for Idiopathic generalized epilepsy; Hyperaldosteronism, familial, type IV. Last evaluated: 2024-07-06. Review status: criteria provided, single submitter. Criteria: Invitae Variant Classification Sherloc (09022015). Collection method: clinical testing. Allele origin: germline.
Comment: This sequence change replaces proline, which is neutral and non-polar, with leucine, which is neutral and non-polar, at codon 2345 of the CACNA1H protein (p.Pro2345Leu). This variant is not present in population databases (gnomAD no frequency). This variant has not been reported in the literature in individuals affected with CACNA1H-related conditions. ClinVar contains an entry for this variant (Variation ID: 1410653). Advanced modeling of protein sequence and biophysical properties (such as structural, functional, and spatial information, amino acid conservation, physicochemical variation, residue mobility, and thermodynamic stability) performed at Invitae indicates that this missense variant is not expected to disrupt CACNA1H protein function with a negative predictive value of 95%. In summary, the available evidence is currently insufficient to determine the role of this variant in disease. Therefore, it has been classified as a Variant of Uncertain Significance.

PreventionGenetics, part of Exact Sciences
Classification: Uncertain significance for CACNA1H-related condition. Last evaluated: 2023-11-01. Review status: no assertion criteria provided. Collection method: clinical testing. Allele origin: germline. Not counted in ClinVar's aggregate classification.
Comment: The CACNA1H c.7034C>T variant is predicted to result in the amino acid substitution p.Pro2345Leu. To our knowledge, this variant has not been reported in the literature or in a large population database, indicating this variant is rare. At this time, the clinical significance of this variant is uncertain due to the absence of conclusive functional and genetic evidence.